The following is an entry in ClinVar:

ClinVar aggregate classification (germline): Uncertain significance (1 of 4 stars; one submission).

Allele frequency attached by ClinVar (database versions not stated): gnomAD exomes below 0.00001; TOPMed below 0.00001; gnomAD 0.00001.
gnomAD v4.1: 4 of 1,607,646 alleles (0.00025%); highest among the groups gnomAD compares: Non-Finnish European, 0.00034%; no homozygotes.

Submission:

GeneDx
Classification: Uncertain significance. Last evaluated: 2019-12-27. Review status: criteria provided, single submitter. Criteria: GeneDx Variant Classification Process June 2021. Collection method: clinical testing. Allele origin: germline. Affected: yes.
Comment: Not observed in large population cohorts (Lek et al., 2016); In silico analysis, which includes protein predictors and evolutionary conservation, supports that this variant does not alter protein structure/function; Has not been previously published as pathogenic or benign to our knowledge

NM_001009944.3(PKD1):c.10978G>A (p.Glu3660Lys)

Genes: PKD1 (polycystin 1, transient receptor potential channel interacting; minus strand), PKD1-AS1 (PKD1 antisense RNA 1; plus strand). Cytogenetic location: 16p13.3.
Variant type: single nucleotide variant.
Coding change: c.10978G>A on transcript NM_001009944.3 (MANE Select); coding-DNA position 10978, G replaced by A.
Protein change: p.Glu3660Lys; replaces glutamic acid 3660 with lysine.
Molecular consequence: missense variant.
Genome position (GRCh38, 1-based): chr16:2,093,582, C>T on the plus strand (G>A on the coding strand, the complement: PKD1 is on the minus strand). VCF-style: chr16-2093582-C-T. GRCh37 (hg19) VCF-style: chr16-2143583-C-T.
Other names: c.10975G>A, p.Glu3659Lys (NM_000296.4); short protein forms E3659K, E3660K.
Identifiers: ClinVar variation 1310908 (VCV001310908.2), dbSNP rs2091704414, ClinGen allele CA394338673.